The following is an entry in ClinVar:

ClinVar aggregate classification (germline): Pathogenic/Likely pathogenic. Review status: criteria provided, multiple submitters, no conflicts (2 of 4 stars). 2 submissions from 2 submitters: Pathogenic (1); Likely pathogenic (1). Last evaluated 2025-03-30.

Conditions:
Spastic paraplegia. Identifiers: MedGen C0037772, HP:0001258.
Spastic ataxia 1. Also called: Ataxia, spastic, 1, autosomal dominant. Identifiers: Orphanet 251282, MedGen C1970107, MONDO:0007164, OMIM 108600.

Allele frequency attached by ClinVar (database versions not stated): gnomAD exomes below 0.00001.
gnomAD v4.1: 3 of 1,614,208 alleles (0.00019%); highest among the groups gnomAD compares: Non-Finnish European, 0.00025%; no homozygotes.

Submissions (2):

Labcorp Genetics (formerly Invitae), Labcorp
Classification: Pathogenic for Spastic paraplegia. Last evaluated: 2025-03-30. Review status: criteria provided, single submitter. Criteria: Invitae Variant Classification Sherloc (09022015). Collection method: clinical testing. Allele origin: germline.
Comment: This sequence change creates a premature translational stop signal (p.Arg33*) in the VAMP1 gene. It is expected to result in an absent or disrupted protein product. Loss-of-function variants in VAMP1 are known to be pathogenic (PMID: 28253535). This variant is not present in population databases (gnomAD no frequency). This premature translational stop signal has been observed in individual(s) with clinical features of VAMP1-related conditions (PMID: 30293248). ClinVar contains an entry for this variant (Variation ID: 1459811). For these reasons, this variant has been classified as Pathogenic.

Kariminejad - Najmabadi Pathology & Genetics Center
Classification: Likely pathogenic for Spastic ataxia 1. Last evaluated: 2022-01-12. Review status: criteria provided, single submitter. Criteria: ACMG Guidelines, 2015. Collection method: clinical testing. Allele origin: germline. Inheritance: Autosomal dominant inheritance. Affected: yes.
Comment: PVS1-PM2

Literature cited by the submitters: PubMed 28253535 (cited by Labcorp Genetics (formerly Invitae), Labcorp); PubMed 30293248 (cited by Labcorp Genetics (formerly Invitae), Labcorp).

NM_014231.5(VAMP1):c.97C>T (p.Arg33Ter)

Genes: VAMP1 (vesicle associated membrane protein 1; minus strand), TAPBPL (TAP binding protein like; plus strand). Cytogenetic location: 12p13.31.
Variant type: single nucleotide variant.
Coding change: c.97C>T on transcript NM_014231.5 (MANE Select); coding-DNA position 97, C replaced by T.
Protein change: p.Arg33Ter; replaces arginine 33 with a stop codon.
Molecular consequence: nonsense.
Genome position (GRCh38, 1-based): chr12:6,466,257, G>A on the plus strand (C>T on the coding strand, the complement: VAMP1 is on the minus strand). VCF-style: chr12-6466257-G-A. GRCh37 (hg19) VCF-style: chr12-6575423-G-A.
Other names: c.97C>T, p.Arg33Ter (NM_001297438.2, NM_016830.4, NM_199245.3); short protein forms R33*.
Identifiers: ClinVar variation 1459811 (VCV001459811.9), dbSNP rs1308616721, ClinGen allele CA383559478.